The following is an entry in ClinVar:

NM_001011551.3(C1GALT1C1):c.827T>C (p.Val276Ala)

Gene: C1GALT1C1 (C1GALT1 specific chaperone 1; minus strand). Cytogenetic location: Xq24.
Variant type: single nucleotide variant.
Coding change: c.827T>C on transcript NM_001011551.3 (MANE Select); coding-DNA position 827, T replaced by C.
Protein change: p.Val276Ala; replaces valine 276 with alanine.
Molecular consequence: missense variant.
Genome position (GRCh38, 1-based): chrX:120,626,340, A>G on the plus strand (T>C on the coding strand, the complement: C1GALT1C1 is on the minus strand). VCF-style: chrX-120626340-A-G. GRCh37 (hg19) VCF-style: chrX-119760195-A-G.
Other names: c.827T>C, p.Val276Ala (NM_152692.5); short protein forms V276A.
Identifiers: ClinVar variation 4694971 (VCV004694971.1).
Genomic context (GRCh38, chrX:120,626,340, plus strand): 5'-AGGCGGTATACCCCATACATCATCACATGCATCTGATTTGGAGTCAGTCCATTAAAAGTA[A>G]CAGCCATATCTGAACAACAGCCTTCTACTACCTGGTTGGGGTGATAAGTCATTGCCTCTT-3'
Protein context (NP_001011551.1, residues 266-286): VVEGCCSDMA[Val276Ala]TFNGLTPNQM

ClinVar aggregate classification (germline): Uncertain significance (1 of 4 stars; one submission).

Conditions:
Polyagglutinable erythrocyte syndrome (TNPS). Also called: TN POLYAGGLUTINATION SYNDROME; GALACTOSYLTRANSFERASE DEFICIENCY; TN POLYAGGLUTINATION SYNDROME, SOMATIC. Identifiers: MedGen C0272137, MONDO:0010381, OMIM 300622.

Submission:

Labcorp Genetics (formerly Invitae), Labcorp
Classification: Uncertain significance for Polyagglutinable erythrocyte syndrome. Last evaluated: 2025-06-18. Review status: criteria provided, single submitter. Criteria: Invitae Variant Classification Sherloc (09022015). Collection method: clinical testing. Allele origin: germline.
Comment: This sequence change replaces valine, which is neutral and non-polar, with alanine, which is neutral and non-polar, at codon 276 of the C1GALT1C1 protein (p.Val276Ala). This variant is present in population databases (rs371736291, gnomAD 0.06%). This variant has not been reported in the literature in individuals affected with C1GALT1C1-related conditions. Invitae Evidence Modeling of protein sequence and biophysical properties (such as structural, functional, and spatial information, amino acid conservation, physicochemical variation, residue mobility, and thermodynamic stability) indicates that this missense variant is not expected to disrupt C1GALT1C1 protein function with a negative predictive value of 80%. In summary, the available evidence is currently insufficient to determine the role of this variant in disease. Therefore, it has been classified as a Variant of Uncertain Significance.